The following is an entry in ClinVar:

NM_006231.4(POLE):c.672C>T (p.Tyr224=)

Gene: POLE (DNA polymerase epsilon, catalytic subunit; minus strand). Cytogenetic location: 12q24.33.
Variant type: single nucleotide variant.
Coding change: c.672C>T on transcript NM_006231.4 (MANE Select); coding-DNA position 672, C replaced by T.
Protein change: p.Tyr224=; no amino-acid change (tyrosine 224 retained).
Molecular consequence: synonymous variant.
Genome position (GRCh38, 1-based): chr12:132,677,626, G>A on the plus strand (C>T on the coding strand, the complement: POLE is on the minus strand). VCF-style: chr12-132677626-G-A. GRCh37 (hg19) VCF-style: chr12-133254212-G-A.
Identifiers: ClinVar variation 240615 (VCV000240615.63), dbSNP rs376923206, ClinGen allele CA6894243.

ClinVar aggregate classification (germline): Benign/Likely benign. Review status: criteria provided, multiple submitters, no conflicts (2 of 4 stars). 11 submissions from 11 submitters: Benign (3); Likely benign (7). 1 of the submissions does not count toward it. Last evaluated 2026-01-27.

Conditions:
POLE-related disorder. Also called: POLE-related condition; POLE-related disorders.
Hereditary cancer-predisposing syndrome. Also called: Tumor predisposition; Hereditary Cancer Syndrome; Neoplastic Syndromes, Hereditary; Hereditary neoplastic syndrome. Identifiers: Orphanet 140162, MedGen C0027672, MeSH D009386, MONDO:0015356.
Colorectal cancer, susceptibility to, 12 (CRCS12). Also called: COLORECTAL CANCER, SUSCEPTIBILITY TO, ON CHROMOSOME 12q24. Identifiers: Orphanet 220460, MedGen C3554460, MONDO:0014038, OMIM 615083.

Allele frequency attached by ClinVar (database versions not stated): ExAC 0.00005; ESP Exome Variant Server 0.00008; gnomAD exomes 0.00009; TOPMed 0.00012; gnomAD 0.00022.
gnomAD v4.1: 233 of 1,614,034 alleles (0.014%); highest among the groups gnomAD compares: African/African-American, 0.02%; no homozygotes.

Submissions (11):

Labcorp Genetics (formerly Invitae), Labcorp
Classification: Likely benign. Last evaluated: 2026-01-27. Review status: criteria provided, single submitter. Criteria: Invitae Variant Classification Sherloc (09022015). Collection method: clinical testing. Allele origin: germline.

Center for Genomic Medicine, Rigshospitalet, Copenhagen University Hospital
Classification: Benign. Last evaluated: 2025-12-29. Review status: criteria provided, single submitter. Criteria: ACMG Guidelines, 2015. Collection method: clinical testing. Allele origin: germline.

CeGaT Center for Human Genetics Tuebingen
Classification: Likely benign. Last evaluated: 2025-05-01. Review status: criteria provided, single submitter. Criteria: CeGaT Center For Human Genetics Tuebingen Variant Classification Criteria Version 2. Collection method: clinical testing. Allele origin: germline. Affected: yes. Observed: 2 variant alleles.
Comment: POLE: BP4, BP7

KCCC/NGS Laboratory, Kuwait Cancer Control Center
Classification: Benign for Colorectal cancer, susceptibility to, 12. Last evaluated: 2025-02-01. Review status: criteria provided, single submitter. Criteria: ACMG Guidelines, 2015. Collection method: clinical testing. Allele origin: germline. Affected: no.

Blueprint Genetics
Classification: Likely benign. Last evaluated: 2024-10-24. Review status: criteria provided, single submitter. Criteria: ACMG Guidelines, 2015. Collection method: clinical testing. Allele origin: germline.

Genetic Services Laboratory, University of Chicago
Classification: Likely benign. Last evaluated: 2021-04-07. Review status: criteria provided, single submitter. Criteria: ACMG Guidelines, 2015. Collection method: clinical testing. Allele origin: germline. Affected: no.

Quest Diagnostics Nichols Institute San Juan Capistrano
Classification: Benign. Last evaluated: 2019-12-05. Review status: criteria provided, single submitter. Criteria: Quest Diagnostics criteria. Collection method: clinical testing. Allele origin: unknown.

ARUP Laboratories, Molecular Genetics and Genomics, ARUP Laboratories
Classification: Likely benign. Last evaluated: 2019-11-04. Review status: criteria provided, single submitter. Criteria: ARUP Molecular Germline Variant Investigation Process. Collection method: clinical testing. Allele origin: germline.

GeneDx
Classification: Likely benign. Last evaluated: 2019-10-03. Review status: criteria provided, single submitter. Criteria: GeneDx Variant Classification Process June 2021. Collection method: clinical testing. Allele origin: germline. Affected: yes.
Comment: Not observed at a significant frequency in large population cohorts (Lek 2016); This variant is associated with the following publications: (PMID: 24075989)

Ambry Genetics
Classification: Likely benign for Hereditary cancer-predisposing syndrome. Last evaluated: 2015-07-16. Review status: criteria provided, single submitter. Criteria: Ambry Variant Classification Scheme 2023. Collection method: clinical testing. Allele origin: germline.

PreventionGenetics, part of Exact Sciences
Classification: Likely benign for POLE-related condition. Last evaluated: 2019-03-18. Review status: no assertion criteria provided. Collection method: clinical testing. Allele origin: germline. Not counted in ClinVar's aggregate classification.
Comment: This variant is classified as likely benign based on ACMG/AMP sequence variant interpretation guidelines (Richards et al. 2015 PMID: 25741868, with internal and published modifications).

Literature cited by the submitters: PubMed 37848928 (cited by Center for Genomic Medicine, Rigshospitalet, Copenhagen University Hospital).